The following is an entry in ClinVar:

NM_001374353.1(GLI2):c.3364A>G (p.Lys1122Glu)

Gene: GLI2 (GLI family zinc finger 2; plus strand). Cytogenetic location: 2q14.2.
Variant type: single nucleotide variant.
Coding change: c.3364A>G on transcript NM_001374353.1 (MANE Select); coding-DNA position 3364, A replaced by G.
Protein change: p.Lys1122Glu; replaces lysine 1122 with glutamic acid.
Molecular consequence: missense variant.
Genome position (GRCh38, 1-based): chr2:120,989,329, A>G. VCF-style: chr2-120989329-A-G. GRCh37 (hg19) VCF-style: chr2-121746905-A-G.
Other names: c.3415A>G, p.Lys1139Glu (NM_001371271.1, NM_005270.5); c.2989A>G, p.Lys997Glu (NM_001374354.1); short protein forms K1139E, K1122E, K997E.
Identifiers: ClinVar variation 2064118 (VCV002064118.4), dbSNP rs768591353, ClinGen allele CA1852383.

ClinVar aggregate classification (germline): Uncertain significance (1 of 4 stars; one submission).

Conditions:
Postaxial polydactyly-anterior pituitary anomalies-facial dysmorphism syndrome. Also called: Culler-Jones syndrome. Identifiers: Orphanet 420584, MedGen C4014479, MONDO:0014369, OMIM 615849.
Holoprosencephaly 9 (HPE9). Also called: PITUITARY ANOMALIES WITH HOLOPROSENCEPHALY-LIKE FEATURES; HOLOPROSENCEPHALY WITH MICROPHTHALMIA AND FIRST BRANCHIAL ARCH ANOMALIES. Identifiers: Orphanet 2162, MedGen C1835819, MONDO:0012563, OMIM 610829.

Allele frequency attached by ClinVar (database versions not stated): gnomAD exomes 0.00001; ExAC 0.00003; gnomAD 0.00003; TOPMed 0.00007.
gnomAD v4.1: 23 of 1,613,022 alleles (0.0014%); highest among the groups gnomAD compares: East Asian, 0.031%; no homozygotes.

Submission:

Labcorp Genetics (formerly Invitae), Labcorp
Classification: Uncertain significance for Postaxial polydactyly-anterior pituitary anomalies-facial dysmorphism syndrome; Holoprosencephaly 9. Last evaluated: 2022-06-30. Review status: criteria provided, single submitter. Criteria: Invitae Variant Classification Sherloc (09022015). Collection method: clinical testing. Allele origin: germline.
Comment: In summary, the available evidence is currently insufficient to determine the role of this variant in disease. Therefore, it has been classified as a Variant of Uncertain Significance. Algorithms developed to predict the effect of missense changes on protein structure and function are either unavailable or do not agree on the potential impact of this missense change (SIFT: "Tolerated"; PolyPhen-2: "Probably Damaging"; Align-GVGD: "Class C0"). This variant has not been reported in the literature in individuals affected with GLI2-related conditions. This variant is present in population databases (rs768591353, gnomAD 0.05%). This sequence change replaces lysine, which is basic and polar, with glutamic acid, which is acidic and polar, at codon 1139 of the GLI2 protein (p.Lys1139Glu).